The following is an entry in ClinVar:

NM_001127222.2(CACNA1A):c.1345+76G>A

Gene: CACNA1A (calcium voltage-gated channel subunit alpha1 A; minus strand). Cytogenetic location: 19p13.13.
Variant type: single nucleotide variant.
Coding change: c.1345+76G>A on transcript NM_001127222.2 (MANE Select); 76 bases into the intron after coding-DNA position 1345, G replaced by A.
Molecular consequence: intron variant.
Genome position (GRCh38, 1-based): chr19:13,330,168, C>T on the plus strand (G>A on the coding strand, the complement: CACNA1A is on the minus strand). VCF-style: chr19-13330168-C-T. GRCh37 (hg19) VCF-style: chr19-13440982-C-T.
Other names: c.1348+76G>A (NM_001127221.2, NM_001174080.2, NM_000068.4 and 1 more transcripts).
Identifiers: ClinVar variation 680053 (VCV000680053.4), dbSNP rs3764665, ClinGen allele CA14733551.

ClinVar aggregate classification (germline): Benign. Review status: criteria provided, multiple submitters, no conflicts (2 of 4 stars). 3 submissions from 3 submitters: Benign (3). Last evaluated 2024-07-15.

Allele frequency attached by ClinVar (database versions not stated): TOPMed 0.21595; gnomAD 0.21715 and 0.22825; 1000 Genomes Project 0.28375; 1000 Genomes Project 30x 0.29388.
gnomAD v4.1: 251,644 of 1,049,426 alleles (24%); highest among the groups gnomAD compares: East Asian, 46%; 33,041 homozygotes.

Submissions (3):

Unidad de Genómica Garrahan, Hospital de Pediatría Garrahan
Classification: Benign. Last evaluated: 2024-07-15. Review status: criteria provided, single submitter. Criteria: ACMG Guidelines, 2015. Collection method: clinical testing. Allele origin: germline. Affected: no. Observed: 57 variant alleles.
Comment: This variant is classified as Benign based on local population frequency. This variant was detected in 61% of patients studied in a panel designed for Epileptic and Developmental Encephalopathy and Progressive Myoclonus Epilepsy. Number of patients: 57. Only high quality variants are reported.

GeneDx
Classification: Benign. Last evaluated: 2018-06-14. Review status: criteria provided, single submitter. Criteria: GeneDx Variant Classification (06012015). Collection method: clinical testing. Allele origin: germline. Affected: yes.
Comment: This variant is considered likely benign or benign based on one or more of the following criteria: it is a conservative change, it occurs at a poorly conserved position in the protein, it is predicted to be benign by multiple in silico algorithms, and/or has population frequency not consistent with disease.

Breakthrough Genomics
Classification: Benign. Review status: criteria provided, single submitter. Criteria: ACMG Guidelines, 2015. Collection method: not provided. Allele origin: germline. Inheritance: Autosomal dominant inheritance. Affected: yes.